The following is an entry in ClinVar:

NM_000334.4(SCN4A):c.611+1G>A

Gene: SCN4A (sodium voltage-gated channel alpha subunit 4; minus strand). Cytogenetic location: 17q23.3.
Variant type: single nucleotide variant.
Coding change: c.611+1G>A on transcript NM_000334.4 (MANE Select); the canonical splice donor site of the intron after coding-DNA position 611, G replaced by A.
Molecular consequence: splice donor variant.
Genome position (GRCh38, 1-based): chr17:63,971,721, C>T on the plus strand (G>A on the coding strand, the complement: SCN4A is on the minus strand). VCF-style: chr17-63971721-C-T. GRCh37 (hg19) VCF-style: chr17-62049081-C-T.
Identifiers: ClinVar variation 3020921 (VCV003020921.3), dbSNP rs1358028812, ClinGen allele CA400638825.
Genomic context (GRCh38, chr17:63,971,721, plus strand): 5'-AAGGCCTGGCCCCCTCCCCTCACCCACCCCAGCCTCAGGATGTCCTGGGGCCCCTGCTCA[C>T]GCCATCATGATGACACTGAAGTCCAGCCAGTTCCAGGGGTCCCGGAGGAATGTGAAGTCG-3'

ClinVar aggregate classification (germline): Likely pathogenic (1 of 4 stars; one submission).

Conditions:
Hyperkalemic periodic paralysis. Also called: Familial hyperkalemic periodic paralysis; Gamstorp disease. Identifiers: Orphanet 682, MedGen C0238357, MONDO:0008224, OMIM 170500, HP:0007215.

Allele frequency attached by ClinVar (database versions not stated): TOPMed below 0.00001; gnomAD exomes 0.00001.
gnomAD v4.1: 3 of 1,590,088 alleles (0.00019%); highest among the groups gnomAD compares: East Asian, 0.0023%; no homozygotes.

Submission:

Labcorp Genetics (formerly Invitae), Labcorp
Classification: Likely pathogenic for Hyperkalemic periodic paralysis. Last evaluated: 2023-06-14. Review status: criteria provided, single submitter. Criteria: Invitae Variant Classification Sherloc (09022015). Collection method: clinical testing. Allele origin: germline.
Comment: The frequency data for this variant in the population databases is considered unreliable, as metrics indicate poor data quality at this position in the gnomAD database. This sequence change affects a donor splice site in intron 4 of the SCN4A gene. It is expected to disrupt RNA splicing. Variants that disrupt the donor or acceptor splice site typically lead to a loss of protein function (PMID: 16199547), and loss-of-function variants in SCN4A are known to be pathogenic (PMID: 26700687). This variant has not been reported in the literature in individuals affected with SCN4A-related conditions. In summary, the currently available evidence indicates that the variant is pathogenic, but additional data are needed to prove that conclusively. Therefore, this variant has been classified as Likely Pathogenic. Algorithms developed to predict the effect of sequence changes on RNA splicing suggest that this variant may disrupt the consensus splice site.

Literature cited by the submitters: PubMed 16199547; PubMed 26700687.